The following is an entry in ClinVar:

NM_001378615.1(CC2D2A):c.1882G>A (p.Ala628Thr)

Genes: CC2D2A (coiled-coil and C2 domain containing 2A; plus strand), FBXL5 (F-box and leucine rich repeat protein 5; minus strand). Cytogenetic location: 4p15.32.
Variant type: single nucleotide variant.
Coding change: c.1882G>A on transcript NM_001378615.1 (MANE Select); coding-DNA position 1882, G replaced by A.
Protein change: p.Ala628Thr; replaces alanine 628 with threonine.
Molecular consequence: missense variant.
Genome position (GRCh38, 1-based): chr4:15,538,016, G>A. VCF-style: chr4-15538016-G-A. GRCh37 (hg19) VCF-style: chr4-15539639-G-A.
Other names: c.1882G>A, p.Ala628Thr (NM_001080522.2); c.1735G>A, p.Ala579Thr (NM_001378617.1); short protein forms A579T, A628T.
Identifiers: ClinVar variation 1000270 (VCV001000270.9), dbSNP rs1229418241, ClinGen allele CA356411777.

ClinVar aggregate classification (germline): Uncertain significance (1 of 4 stars; one submission).

Conditions:
Joubert syndrome. Also called: JOUBERT-BOLTSHAUSER SYNDROME; Familial aplasia of the vermis. Identifiers: Orphanet 475, MedGen C5979921, MONDO:0018772.
Meckel-Gruber syndrome. Also called: Dysencephalia splachnocystica; DYSENCEPHALIA SPLANCHNOCYSTICA; GRUBER SYNDROME. Identifiers: Orphanet 564, MedGen C0265215, MONDO:0018921.

Allele frequency attached by ClinVar (database versions not stated): TOPMed below 0.00001; gnomAD 0.00001.
gnomAD v4.1: 1 of 1,608,956 alleles (0.000062%); highest among the groups gnomAD compares: African/African-American, 0.0013%; no homozygotes.

Submission:

Labcorp Genetics (formerly Invitae), Labcorp
Classification: Uncertain significance for Joubert syndrome; Meckel-Gruber syndrome. Last evaluated: 2024-01-23. Review status: criteria provided, single submitter. Criteria: Invitae Variant Classification Sherloc (09022015). Collection method: clinical testing. Allele origin: germline.
Comment: This sequence change replaces alanine, which is neutral and non-polar, with threonine, which is neutral and polar, at codon 628 of the CC2D2A protein (p.Ala628Thr). This variant is not present in population databases (gnomAD no frequency). This variant has not been reported in the literature in individuals affected with CC2D2A-related conditions. ClinVar contains an entry for this variant (Variation ID: 1000270). Advanced modeling of protein sequence and biophysical properties (such as structural, functional, and spatial information, amino acid conservation, physicochemical variation, residue mobility, and thermodynamic stability) performed at Invitae indicates that this missense variant is not expected to disrupt CC2D2A protein function with a negative predictive value of 95%. In summary, the available evidence is currently insufficient to determine the role of this variant in disease. Therefore, it has been classified as a Variant of Uncertain Significance.